The following is an entry in ClinVar:

ClinVar aggregate classification (germline): Pathogenic (1 of 4 stars; one submission).

Submission:

Labcorp Genetics (formerly Invitae), Labcorp
Classification: Pathogenic. Last evaluated: 2026-01-11. Review status: criteria provided, single submitter. Criteria: Invitae Variant Classification Sherloc (09022015). Collection method: clinical testing. Allele origin: germline.
Comment: This sequence change creates a premature translational stop signal (p.Leu413Thrfs*5) in the SLC46A1 gene. It is expected to result in an absent or disrupted protein product. Loss-of-function variants in SLC46A1 are known to be pathogenic (PMID: 17446347, 21333572). The frequency data for this variant in the population databases is considered unreliable, as metrics indicate poor data quality at this position in the gnomAD database. This variant has not been reported in the literature in individuals affected with SLC46A1-related conditions. For these reasons, this variant has been classified as Pathogenic.

Literature cited by the submitters: PubMed 17446347; PubMed 21333572.

NM_080669.6(SLC46A1):c.1236_1239del (p.Leu413fs)

Genes: SLC46A1 (solute carrier family 46 member 1; minus strand), SARM1 (sterile alpha and TIR motif containing 1; plus strand). Cytogenetic location: 17q11.2.
Variant type: Microsatellite.
Coding change: c.1236_1239del on transcript NM_080669.6 (MANE Select); coding-DNA positions 1236 to 1239, 4 bases deleted (ACTC; older notation c.1236_1239delACTC).
Protein change: p.Leu413fs; shifts the reading frame from leucine 413.
Molecular consequence: frameshift variant. On other transcripts: 3 prime UTR variant (1).
Genome position (GRCh38, 1-based): chr17:28,400,693-28,400,696, GAGT deleted on the plus strand (ACTC on the coding strand, the reverse complement: SLC46A1 is on the minus strand); deleting any 4 consecutive bases within chr17:28,400,693-28,400,700 gives the same sequence; the c. name uses the placement nearest the transcript's 3' end. VCF-style (leftmost placement, unchanged base first): chr17-28400692-AGAGT-A. GRCh37 (hg19) VCF-style: chr17-26727708-AGAGT-A.
Other names: c.1152_1155del, p.Leu385fs (NM_001242366.3); c.*4407GAGT[1] (NM_015077.4); short protein forms L413fs, L385fs.
Identifiers: ClinVar variation 1455352 (VCV001455352.6), dbSNP rs782656090, ClinGen allele CA8458180.